The following is an entry in ClinVar:

NM_001378454.1(ALMS1):c.12279G>T (p.Met4093Ile)

Genes: ALMS1 (ALMS1 centrosome and basal body associated protein; plus strand), LOC126806252 (BRD4-independent group 4 enhancer GRCh37_chr2:73828496-73829695; plus strand). Cytogenetic location: 2p13.1.
Variant type: single nucleotide variant.
Coding change: c.12279G>T on transcript NM_001378454.1 (MANE Select); coding-DNA position 12279, G replaced by T.
Protein change: p.Met4093Ile; replaces methionine 4093 with isoleucine.
Molecular consequence: missense variant.
Genome position (GRCh38, 1-based): chr2:73,602,349, G>T. VCF-style: chr2-73602349-G-T. GRCh37 (hg19) VCF-style: chr2-73829476-G-T.
Other names: c.12282G>T, p.Met4094Ile (NM_015120.4); short protein forms M4093I, M4094I.
Identifiers: ClinVar variation 3355960 (VCV003355960.1).
Genomic context (GRCh38, chr2:73,602,349, plus strand): 5'-GACCGAGCGGGATGCACTATTCAACATTGACAGGGAACGGCAGGGCCACCAGAATCGCAT[G>T]TGCCCGCTGCCCAAGAGAGGTACGCCCTGCCCGTTCACTTTCCTGTGAGTGGAATAGAGA-3'
Protein context (NP_001365383.1, residues 4083-4103): DRERQGHQNR[Met4093Ile]CPLPKRVFLA

ClinVar aggregate classification (germline): Likely benign (0 of 4 stars; one submission).

Conditions:
ALMS1-related disorder. Also called: ALMS1-related condition.

Submission:

PreventionGenetics, part of Exact Sciences
Classification: Likely benign for ALMS1-related condition. Last evaluated: 2024-05-10. Review status: no assertion criteria provided. Collection method: clinical testing. Allele origin: germline.
Comment: This variant is classified as likely benign based on ACMG/AMP sequence variant interpretation guidelines (Richards et al. 2015 PMID: 25741868, with internal and published modifications).